The following is an entry in ClinVar:

NM_017934.7(PHIP):c.4999C>T (p.Gln1667Ter)

Genes: IRAK1BP1 (interleukin 1 receptor associated kinase 1 binding protein 1; plus strand), PHIP (PHIP subunit of CUL4-Ring ligase complex; minus strand). Cytogenetic location: 6q14.1.
Variant type: single nucleotide variant.
Coding change: c.4999C>T on transcript NM_017934.7 (MANE Select); coding-DNA position 4999, C replaced by T.
Protein change: p.Gln1667Ter; replaces glutamine 1667 with a stop codon.
Molecular consequence: nonsense.
Genome position (GRCh38, 1-based): chr6:78,941,160, G>A on the plus strand (C>T on the coding strand, the complement: PHIP is on the minus strand). VCF-style: chr6-78941160-G-A. GRCh37 (hg19) VCF-style: chr6-79650877-G-A.
Other names: short protein forms Q1667*.
Identifiers: ClinVar variation 4725420 (VCV004725420.1).
Genomic context (GRCh38, chr6:78,941,160, plus strand): 5'-GTACTTCATCTCTGATGGGATGCACATTATTTTGCTCTAAATCTTCTGGCTTTGCATACT[G>A]TAGCTTTTTGGGCTTTCTACCCCTTTTCTTGTGTATAATTTCACCACTATTGGTATTAAC-3'

ClinVar aggregate classification (germline): Uncertain significance (1 of 4 stars; one submission).

Submission:

Labcorp Genetics (formerly Invitae), Labcorp
Classification: Uncertain significance. Last evaluated: 2025-08-15. Review status: criteria provided, single submitter. Criteria: Invitae Variant Classification Sherloc (09022015). Collection method: clinical testing. Allele origin: germline.
Comment: This sequence change creates a premature translational stop signal (p.Gln1667*) in the PHIP gene. While this is not anticipated to result in nonsense mediated decay, it is expected to disrupt the last 155 amino acid(s) of the PHIP protein. This variant is not present in population databases (gnomAD no frequency). This variant has not been reported in the literature in individuals affected with PHIP-related conditions. In summary, the available evidence is currently insufficient to determine the role of this variant in disease. Therefore, it has been classified as a Variant of Uncertain Significance.